The following is an entry in ClinVar:

NM_014520.4(MYBBP1A):c.2688C>T (p.Arg896=)

Gene: MYBBP1A (MYB binding protein 1a; minus strand). Cytogenetic location: 17p13.2.
Variant type: single nucleotide variant.
Coding change: c.2688C>T on transcript NM_014520.4 (MANE Select); coding-DNA position 2688, C replaced by T.
Protein change: p.Arg896=; no amino-acid change (arginine 896 retained).
Molecular consequence: synonymous variant.
Genome position (GRCh38, 1-based): chr17:4,543,117, G>A on the plus strand (C>T on the coding strand, the complement: MYBBP1A is on the minus strand). VCF-style: chr17-4543117-G-A. GRCh37 (hg19) VCF-style: chr17-4446412-G-A.
Other names: c.2688C>T, p.Arg896= (NM_001105538.2).
Identifiers: ClinVar variation 781853 (VCV000781853.29), dbSNP rs144506752, ClinGen allele CA8304454.

ClinVar aggregate classification (germline): Benign/Likely benign. Review status: criteria provided, multiple submitters, no conflicts (2 of 4 stars). 3 submissions from 3 submitters: Benign (2); Likely benign (1). Last evaluated 2023-03-01.

Allele frequency attached by ClinVar (database versions not stated): 1000 Genomes Project 0.00359; 1000 Genomes Project 30x 0.00390; TOPMed 0.00414; ESP Exome Variant Server 0.00477; gnomAD 0.00561 and 0.00580; gnomAD exomes 0.00654 and 0.00701; ExAC 0.00695.
gnomAD v4.1: 11,014 of 1,611,968 alleles (0.68%); highest among the groups gnomAD compares: Non-Finnish European, 0.73%; 63 homozygotes.

Submissions (3):

CeGaT Center for Human Genetics Tuebingen
Classification: Likely benign. Last evaluated: 2023-03-01. Review status: criteria provided, single submitter. Criteria: CeGaT Center For Human Genetics Tuebingen Variant Classification Criteria Version 2. Collection method: clinical testing. Allele origin: germline. Affected: yes. Observed: 1 variant allele.
Comment: MYBBP1A: BP4, BP7, BS2

Labcorp Genetics (formerly Invitae), Labcorp
Classification: Benign. Last evaluated: 2019-12-31. Review status: criteria provided, single submitter. Criteria: Invitae Variant Classification Sherloc (09022015). Collection method: clinical testing. Allele origin: germline.

Breakthrough Genomics
Classification: Benign. Review status: criteria provided, single submitter. Criteria: ACMG Guidelines, 2015. Collection method: not provided. Allele origin: germline. Inheritance: Unknown mechanism. Affected: yes.